The following is an entry in ClinVar:

ClinVar aggregate classification (germline): Likely benign. Review status: criteria provided, multiple submitters, no conflicts (2 of 4 stars). 2 submissions from 2 submitters: Likely benign (2). Last evaluated 2026-01-26.

Conditions:
Familial cancer of breast. Also called: hereditary breast carcinoma; BREAST CANCER, FAMILIAL; Hereditary breast cancer. Identifiers: Orphanet 227535, MedGen C0346153, MONDO:0016419, OMIM 114480. Disease mechanism: loss of function.
Fanconi anemia complementation group J. Also called: BRIP1-Related Fanconi Anemia. Identifiers: Orphanet 84, MedGen C1836860, MONDO:0012187, OMIM 609054.

Allele frequency attached by ClinVar (database versions not stated): gnomAD exomes below 0.00001; TOPMed below 0.00001.
gnomAD v4.1: 1 of 1,595,372 alleles (0.000063%); highest among the groups gnomAD compares: African/African-American, 0.0013%; no homozygotes.

Submissions (2):

Labcorp Genetics (formerly Invitae), Labcorp
Classification: Likely benign for Familial cancer of breast; Fanconi anemia complementation group J. Last evaluated: 2026-01-26. Review status: criteria provided, single submitter. Criteria: Invitae Variant Classification Sherloc (09022015). Collection method: clinical testing. Allele origin: germline.

Myriad Genetics, Inc.
Classification: Likely benign for Familial cancer of breast. Last evaluated: 2024-08-09. Review status: criteria provided, single submitter. Criteria: Myriad Autosomal Dominant, Autosomal Recessive and X-Linked Classification Criteria (2023). Collection method: clinical testing. Allele origin: unknown.
Comment: This variant is considered likely benign. This variant is intronic and is not expected to impact mRNA splicing.

NM_032043.3(BRIP1):c.206-17T>C

Gene: BRIP1 (BRCA1 interacting DNA helicase 1; minus strand). Cytogenetic location: 17q23.2.
Variant type: single nucleotide variant.
Coding change: c.206-17T>C on transcript NM_032043.3 (MANE Select); 17 bases into the intron before coding-DNA position 206, T replaced by C.
Molecular consequence: intron variant.
Genome position (GRCh38, 1-based): chr17:61,857,248, A>G on the plus strand (T>C on the coding strand, the complement: BRIP1 is on the minus strand). VCF-style: chr17-61857248-A-G. GRCh37 (hg19) VCF-style: chr17-59934609-A-G.
Identifiers: ClinVar variation 1563367 (VCV001563367.10), dbSNP rs1567875100, ClinGen allele CA2269202851.